The following is an entry in ClinVar:

ClinVar aggregate classification (germline): Conflicting classifications of pathogenicity. Review status: criteria provided, conflicting classifications (1 of 4 stars). 5 submissions from 4 submitters: Uncertain significance (2); Likely benign (3). Last evaluated 2026-03-05.

Conditions:
Nephronophthisis. Also called: Juvenile Nephronophthisis. Identifiers: Orphanet 655, MedGen C0687120, MONDO:0019005, HP:0000090.
Senior-Loken syndrome 4 (SLSN4). Identifiers: Orphanet 3156, MedGen C1846979, MONDO:0011756, OMIM 606996.
Nephronophthisis 4 (NPHP4). Also called: NEPHRONOPHTHISIS 4, JUVENILE. Identifiers: Orphanet 655, MedGen C1847013, MONDO:0011752, OMIM 606966.
NPHP4-related disorder. Also called: NPHP4-related disorders; NPHP4-related condition. Identifiers: MedGen CN239384.

Allele frequency attached by ClinVar (database versions not stated): gnomAD 0.00002; gnomAD exomes 0.00002 and 0.00003; TOPMed 0.00002; ExAC 0.00003; ESP Exome Variant Server 0.00008.
gnomAD v4.1: 32 of 1,613,604 alleles (0.002%); highest among the groups gnomAD compares: Middle Eastern, 0.016%; no homozygotes.

Submissions (5):

PreventionGenetics, part of Exact Sciences
Classification: Likely benign for NPHP4-related condition. Last evaluated: 2026-03-05. Review status: criteria provided, single submitter. Criteria: ACMG Guidelines, 2015. Collection method: clinical testing. Allele origin: germline.
Comment: This variant is classified as likely benign based on ACMG/AMP sequence variant interpretation guidelines (Richards et al. 2015 PMID: 25741868, with internal and published modifications).

Labcorp Genetics (formerly Invitae), Labcorp
Classification: Likely benign for Nephronophthisis. Last evaluated: 2025-07-09. Review status: criteria provided, single submitter. Criteria: Invitae Variant Classification Sherloc (09022015). Collection method: clinical testing. Allele origin: germline.

Blueprint Genetics
Classification: Likely benign. Last evaluated: 2021-06-02. Review status: criteria provided, single submitter. Criteria: ACMG Guidelines, 2015. Collection method: clinical testing. Allele origin: germline.

Illumina Laboratory Services, Illumina
Classification: Uncertain significance for Nephronophthisis 4. Last evaluated: 2018-01-12. Review status: criteria provided, single submitter. Criteria: ICSL Variant Classification Criteria 13 December 2019. Collection method: clinical testing. Allele origin: germline.

Illumina Laboratory Services, Illumina
Classification: Uncertain significance for Senior-Loken syndrome 4. Last evaluated: 2018-01-12. Review status: criteria provided, single submitter. Criteria: ICSL Variant Classification Criteria 13 December 2019. Collection method: clinical testing. Allele origin: germline.

NM_015102.5(NPHP4):c.6C>T (p.Asn2=)

Gene: NPHP4 (nephrocystin 4; minus strand). Cytogenetic location: 1p36.31.
Variant type: single nucleotide variant.
Coding change: c.6C>T on transcript NM_015102.5 (MANE Select); coding-DNA position 6, C replaced by T.
Protein change: p.Asn2=; no amino-acid change (asparagine 2 retained).
Molecular consequence: synonymous variant. On other transcripts: 5 prime UTR variant (1), non-coding transcript variant (1), intron variant (1).
Genome position (GRCh38, 1-based): chr1:5,986,284, G>A on the plus strand (C>T on the coding strand, the complement: NPHP4 is on the minus strand). VCF-style: chr1-5986284-G-A. GRCh37 (hg19) VCF-style: chr1-6046344-G-A.
Other names: c.6C>T (NM_015102.4); c.-1224C>T (NM_001291593.2); c.-1088+5960C>T (NM_001291594.2).
Identifiers: ClinVar variation 297832 (VCV000297832.15), dbSNP rs371472576, ClinGen allele CA554968.